The following is an entry in ClinVar:

ClinVar aggregate classification (germline): Pathogenic (1 of 4 stars; one submission).

Conditions:
Smith-Lemli-Opitz syndrome (SLOS). Also called: LETHAL ACRODYSGENITAL SYNDROME; POLYDACTYLY, SEX REVERSAL, RENAL HYPOPLASIA, AND UNILOBAR LUNG; RSH SYNDROME; RUTLEDGE LETHAL MULTIPLE CONGENITAL ANOMALY SYNDROME; 7-Dehydrocholesterol reductase deficiency. Identifiers: Orphanet 818, MedGen C0175694, MONDO:0010035, OMIM 270400.

Submission:

Labcorp Genetics (formerly Invitae), Labcorp
Classification: Pathogenic for Smith-Lemli-Opitz syndrome. Last evaluated: 2023-01-22. Review status: criteria provided, single submitter. Criteria: Invitae Variant Classification Sherloc (09022015). Collection method: clinical testing. Allele origin: germline.
Comment: For these reasons, this variant has been classified as Pathogenic. This variant has not been reported in the literature in individuals affected with DHCR7-related conditions. This variant is not present in population databases (gnomAD no frequency). This sequence change creates a premature translational stop signal (p.Asp234Glufs*3) in the DHCR7 gene. It is expected to result in an absent or disrupted protein product. Loss-of-function variants in DHCR7 are known to be pathogenic (PMID: 9634533, 10677299).

Literature cited by the submitters: PubMed 9634533; PubMed 10677299.

NM_001360.3(DHCR7):c.695_701dup (p.Asp234delinsGluValTer)

Gene: DHCR7 (7-dehydrocholesterol reductase; minus strand). Cytogenetic location: 11q13.4.
Variant type: Duplication.
Coding change: c.695_701dup on transcript NM_001360.3 (MANE Select); coding-DNA positions 695 to 701, 7 bases duplicated (GGTTTGA; older notation c.695_701dupGGTTTGA).
Protein change: p.Asp234delinsGluValTer.
Molecular consequence: nonsense. On other transcripts: frameshift variant (14).
Genome position (GRCh38, 1-based): chr11:71,439,009-71,439,015, TCAAACC duplicated on the plus strand (GGTTTGA on the coding strand, the reverse complement: DHCR7 is on the minus strand). VCF-style (leftmost placement, unchanged base first): chr11-71439008-G-GTCAAACC. GRCh37 (hg19) VCF-style: chr11-71150054-G-GTCAAACC.
Other names: c.695_701dup, p.Asp234delinsGluValTer (NM_001163817.2); c.746_752dup, p.Asp251Glufs (NM_001425107.1); c.731_737dup, p.Asp246Glufs (NM_001425108.1); c.695_701dup, p.Asp234Glufs (NM_001425109.1, NM_001425110.1, NM_001425111.1 and 5 more transcripts); c.635_641dup, p.Asp214Glufs (NM_001425113.1); c.599_605dup, p.Asp202Glufs (NM_001425114.1, NM_001425116.1); c.521_527dup, p.Asp176Glufs (NM_001425117.1).
Identifiers: ClinVar variation 2830940 (VCV002830940.3), dbSNP rs2539221631, ClinGen allele CA2739270678.